The following is an entry in ClinVar:

NM_004113.6(FGF12):c.109G>A (p.Glu37Lys)

Gene: FGF12 (fibroblast growth factor 12; minus strand). Cytogenetic location: 3q28.
Variant type: single nucleotide variant.
Coding change: c.109G>A on transcript NM_004113.6 (MANE Select); coding-DNA position 109, G replaced by A.
Protein change: p.Glu37Lys; replaces glutamic acid 37 with lysine.
Molecular consequence: missense variant. On other transcripts: intron variant (1).
Genome position (GRCh38, 1-based): chr3:192,360,443, C>T on the plus strand (G>A on the coding strand, the complement: FGF12 is on the minus strand). VCF-style: chr3-192360443-C-T. GRCh37 (hg19) VCF-style: chr3-192078232-C-T.
Other names: c.37G>A, p.Glu13Lys (NM_001377293.1, NM_001377294.1); c.295G>A, p.Glu99Lys (NM_021032.5); c.14-24979G>A (NM_001377292.1); short protein forms E37K, E13K, E99K.
Identifiers: ClinVar variation 1525567 (VCV001525567.7), dbSNP rs865909944, ClinGen allele CA90408933.

ClinVar aggregate classification (germline): Uncertain significance. Review status: criteria provided, multiple submitters, no conflicts (2 of 4 stars). 2 submissions from 2 submitters: Uncertain significance (2). Last evaluated 2024-02-07.

Allele frequency attached by ClinVar (database versions not stated): gnomAD exomes below 0.00001; TOPMed below 0.00001.
gnomAD v4.1: 2 of 1,611,214 alleles (0.00012%); highest among the groups gnomAD compares: Admixed American, 0.0017%; no homozygotes.

Submissions (2):

Blueprint Genetics
Classification: Uncertain significance. Last evaluated: 2024-02-07. Review status: criteria provided, single submitter. Criteria: ACMG Guidelines, 2015. Collection method: clinical testing. Allele origin: germline.

Labcorp Genetics (formerly Invitae), Labcorp
Classification: Uncertain significance. Last evaluated: 2021-11-18. Review status: criteria provided, single submitter. Criteria: Invitae Variant Classification Sherloc (09022015). Collection method: clinical testing. Allele origin: germline.
Comment: In summary, the available evidence is currently insufficient to determine the role of this variant in disease. Therefore, it has been classified as a Variant of Uncertain Significance. Algorithms developed to predict the effect of missense changes on protein structure and function (SIFT, PolyPhen-2, Align-GVGD) all suggest that this variant is likely to be disruptive. This variant has not been reported in the literature in individuals affected with FGF12-related conditions. This variant is not present in population databases (gnomAD no frequency). This sequence change replaces glutamic acid, which is acidic and polar, with lysine, which is basic and polar, at codon 99 of the FGF12 protein (p.Glu99Lys).